The following is an entry in ClinVar:

ClinVar aggregate classification (germline): Pathogenic (1 of 4 stars; one submission).

Conditions:
Fanconi anemia (FA). Also called: Fanconi's anemia. Identifiers: Orphanet 84, MedGen C0015625, MeSH D005199, MONDO:0019391.

Submission:

Labcorp Genetics (formerly Invitae), Labcorp
Classification: Pathogenic for Fanconi anemia. Last evaluated: 2023-08-28. Review status: criteria provided, single submitter. Criteria: Invitae Variant Classification Sherloc (09022015). Collection method: clinical testing. Allele origin: germline.
Comment: This variant has not been reported in the literature in individuals affected with FANCA-related conditions. This sequence change creates a premature translational stop signal (p.Ser1301Phefs*12) in the FANCA gene. It is expected to result in an absent or disrupted protein product. Loss-of-function variants in FANCA are known to be pathogenic (PMID: 19367192). This variant is not present in population databases (gnomAD no frequency). ClinVar contains an entry for this variant (Variation ID: 1433825). For these reasons, this variant has been classified as Pathogenic.

Literature cited by the submitters: PubMed 19367192.

NM_000135.4(FANCA):c.3901dup (p.Ser1301fs)

Genes: FANCA (FA complementation group A; minus strand), ZNF276 (zinc finger protein 276; plus strand). Cytogenetic location: 16q24.3.
Variant type: Duplication.
Coding change: c.3901dup on transcript NM_000135.4 (MANE Select); coding-DNA position 3901, one base duplicated (T; older notation c.3901dupT).
Protein change: p.Ser1301fs; shifts the reading frame from serine 1301.
Molecular consequence: frameshift variant. On other transcripts: 3 prime UTR variant (2), non-coding transcript variant (4).
Genome position (GRCh38, 1-based): chr16:89,740,027, A duplicated on the plus strand (T on the coding strand, the reverse complement: FANCA is on the minus strand). VCF-style (leftmost placement, unchanged base first): chr16-89740026-G-GA. GRCh37 (hg19) VCF-style: chr16-89806434-G-GA.
Other names: c.3901dup, p.Ser1301fs (NM_001286167.3); c.*1781dup (NM_001113525.2, NM_152287.4); short protein forms S1301fs.
Identifiers: ClinVar variation 1433825 (VCV001433825.6), dbSNP rs2151714692, ClinGen allele CA2573152920.